The following is an entry in ClinVar:

NM_020778.5(ALPK3):c.3455C>T (p.Pro1152Leu)

Gene: ALPK3 (alpha kinase 3; plus strand). Cytogenetic location: 15q25.3.
Variant type: single nucleotide variant.
Coding change: c.3455C>T on transcript NM_020778.5 (MANE Select); coding-DNA position 3455, C replaced by T.
Protein change: p.Pro1152Leu; replaces proline 1152 with leucine.
Molecular consequence: missense variant.
Genome position (GRCh38, 1-based): chr15:84,858,193, C>T. VCF-style: chr15-84858193-C-T. GRCh37 (hg19) VCF-style: chr15-85401424-C-T.
Other names: c.4061C>T (NM_020778.4); short protein forms P1152L.
Identifiers: ClinVar variation 1431423 (VCV001431423.9), dbSNP rs772625009, ClinGen allele CA7709633.

ClinVar aggregate classification (germline): Uncertain significance. Review status: criteria provided, multiple submitters, no conflicts (2 of 4 stars). 2 submissions from 2 submitters: Uncertain significance (2). Last evaluated 2025-10-28.

Conditions:
Cardiovascular phenotype. Identifiers: MedGen CN230736.

Allele frequency attached by ClinVar (database versions not stated): TOPMed 0.00001; gnomAD 0.00003.
gnomAD v4.1: 51 of 1,612,264 alleles (0.0032%); highest among the groups gnomAD compares: South Asian, 0.021%; no homozygotes.

Submissions (2):

Labcorp Genetics (formerly Invitae), Labcorp
Classification: Uncertain significance. Last evaluated: 2025-10-28. Review status: criteria provided, single submitter. Criteria: Invitae Variant Classification Sherloc (09022015). Collection method: clinical testing. Allele origin: germline.
Comment: This sequence change replaces proline, which is neutral and non-polar, with leucine, which is neutral and non-polar, at codon 1354 of the ALPK3 protein (p.Pro1354Leu). This variant is present in population databases (rs772625009, gnomAD 0.03%). This variant has not been reported in the literature in individuals affected with ALPK3-related conditions. ClinVar contains an entry for this variant (Variation ID: 1431423). Invitae Evidence Modeling of protein sequence and biophysical properties (such as structural, functional, and spatial information, amino acid conservation, physicochemical variation, residue mobility, and thermodynamic stability) indicates that this missense variant is expected to disrupt ALPK3 protein function with a positive predictive value of 80%. In summary, the available evidence is currently insufficient to determine the role of this variant in disease. Therefore, it has been classified as a Variant of Uncertain Significance.

Ambry Genetics
Classification: Uncertain significance for Cardiovascular phenotype. Last evaluated: 2025-07-07. Review status: criteria provided, single submitter. Criteria: Ambry Variant Classification Scheme 2023. Collection method: clinical testing. Allele origin: germline.
Comment: The p.P1354L variant (also known as c.4061C>T), located in coding exon 6 of the ALPK3 gene, results from a C to T substitution at nucleotide position 4061. The proline at codon 1354 is replaced by leucine, an amino acid with similar properties. This amino acid position is well conserved in available vertebrate species. In addition, this alteration is predicted to be tolerated by in silico analysis. Based on the available evidence, the clinical significance of this variant remains unclear.